The following is an entry in ClinVar:

NM_020812.4(DOCK6):c.1462C>T (p.Arg488Ter)

Gene: DOCK6 (dedicator of cytokinesis 6; minus strand). Cytogenetic location: 19p13.2.
Variant type: single nucleotide variant.
Coding change: c.1462C>T on transcript NM_020812.4 (MANE Select); coding-DNA position 1462, C replaced by T.
Protein change: p.Arg488Ter; replaces arginine 488 with a stop codon.
Molecular consequence: nonsense.
Genome position (GRCh38, 1-based): chr19:11,243,077, G>A on the plus strand (C>T on the coding strand, the complement: DOCK6 is on the minus strand). VCF-style: chr19-11243077-G-A. GRCh37 (hg19) VCF-style: chr19-11353753-G-A.
Other names: c.1462C>T, p.Arg488Ter (NM_001367830.1); short protein forms R488*.
Identifiers: ClinVar variation 620465 (VCV000620465.8), dbSNP rs369389970, ClinGen allele CA9208129.
Genomic context (GRCh38, chr19:11,243,077, plus strand): 5'-GAGTGAGAGTGATACTTCTTGTGTATGGGGTGTGCCACGCACCAGTCACAGGACGTAGTC[G>A]CCGCAGCAGGGACGACGGGCGCCTCATGTCAGCCAGGAACTTGAAGAGGTCCTCGTCACT-3'

ClinVar aggregate classification (germline): Pathogenic/Likely pathogenic. Review status: criteria provided, multiple submitters, no conflicts (2 of 4 stars). 4 submissions from 4 submitters: Pathogenic (3); Likely pathogenic (1). Last evaluated 2026-01-08.

Conditions:
DOCK6-related disorders.
Adams-Oliver syndrome 2 (AOS2). Identifiers: Orphanet 974, MedGen C3280182, MONDO:0013635, OMIM 614219.

Allele frequency attached by ClinVar (database versions not stated): gnomAD 0.00001; ExAC 0.00002; TOPMed 0.00003; ESP Exome Variant Server 0.00008.
gnomAD v4.1: 28 of 1,613,804 alleles (0.0017%); highest among the groups gnomAD compares: Non-Finnish European, 0.0021%; no homozygotes.

Submissions (4):

GeneDx
Classification: Pathogenic. Last evaluated: 2026-01-08. Review status: criteria provided, single submitter. Criteria: GeneDx Variant Classification Process June 2021. Collection method: clinical testing. Allele origin: germline. Affected: yes.
Comment: Nonsense variant predicted to result in protein truncation or nonsense mediated decay in a gene for which loss of function is a known mechanism of disease; Has not been previously published as pathogenic or benign to our knowledge; This variant is associated with the following publications: (PMID: 31589614)

Genomic Medicine Center of Excellence, King Faisal Specialist Hospital and Research Centre
Classification: Pathogenic for Adams-Oliver syndrome 2. Last evaluated: 2025-09-10. Review status: criteria provided, single submitter. Criteria: ACMG Guidelines, 2015. Collection method: clinical testing. Allele origin: germline.

Blueprint Genetics
Classification: Likely pathogenic for DOCK6-related disorders. Last evaluated: 2023-01-10. Review status: criteria provided, single submitter. Criteria: ACMG Guidelines, 2015. Collection method: clinical testing. Allele origin: germline. Affected: yes. Observed: 3 variant alleles.

Labcorp Genetics (formerly Invitae), Labcorp
Classification: Pathogenic. Last evaluated: 2021-05-30. Review status: criteria provided, single submitter. Criteria: Invitae Variant Classification Sherloc (09022015). Collection method: clinical testing. Allele origin: germline.
Comment: For these reasons, this variant has been classified as Pathogenic. This sequence change creates a premature translational stop signal (p.Arg488*) in the DOCK6 gene. It is expected to result in an absent or disrupted protein product. Loss-of-function variants in DOCK6 are known to be pathogenic (PMID: 21820096, 25824905). This variant is present in population databases (rs369389970, ExAC 0.01%). This variant has not been reported in the literature in individuals with DOCK6-related conditions. ClinVar contains an entry for this variant (Variation ID: 620465). Algorithms developed to predict the effect of sequence changes on RNA splicing suggest that this variant may create or strengthen a splice site, but this prediction has not been confirmed by published transcriptional studies.

Literature cited by the submitters: PubMed 21820096 (cited by Labcorp Genetics (formerly Invitae), Labcorp); PubMed 25824905 (cited by Labcorp Genetics (formerly Invitae), Labcorp).